The following is an entry in ClinVar:

NM_001349253.2(SCN11A):c.3780G>A (p.Met1260Ile)

Gene: SCN11A (sodium voltage-gated channel alpha subunit 11; minus strand). Cytogenetic location: 3p22.2.
Variant type: single nucleotide variant.
Coding change: c.3780G>A on transcript NM_001349253.2 (MANE Select); coding-DNA position 3780, G replaced by A.
Protein change: p.Met1260Ile; replaces methionine 1260 with isoleucine.
Molecular consequence: missense variant.
Genome position (GRCh38, 1-based): chr3:38,870,724, C>T on the plus strand (G>A on the coding strand, the complement: SCN11A is on the minus strand). VCF-style: chr3-38870724-C-T. GRCh37 (hg19) VCF-style: chr3-38912215-C-T.
Other names: c.3780G>A, p.Met1260Ile (NM_014139.3); short protein forms M1260I.
Identifiers: ClinVar variation 2943482 (VCV002943482.3), dbSNP rs2471027844, ClinGen allele CA352169647.

ClinVar aggregate classification (germline): Uncertain significance (1 of 4 stars; one submission).

Conditions:
Hereditary sensory and autonomic neuropathy type 7. Also called: Neuropathy, hereditary sensory and autonomic, type VII; HSAN VII. Identifiers: Orphanet 391397, MedGen C3809882, MONDO:0014244, OMIM 615548.
Familial episodic pain syndrome with predominantly lower limb involvement. Also called: Episodic pain syndrome, familial, 3. Identifiers: Orphanet 391384, Orphanet 391392, MedGen C3809899, MONDO:0014247, OMIM 615552.

Submission:

Labcorp Genetics (formerly Invitae), Labcorp
Classification: Uncertain significance for Familial episodic pain syndrome with predominantly lower limb involvement; Hereditary sensory and autonomic neuropathy type 7. Last evaluated: 2023-01-21. Review status: criteria provided, single submitter. Criteria: Invitae Variant Classification Sherloc (09022015). Collection method: clinical testing. Allele origin: germline.
Comment: This variant has not been reported in the literature in individuals affected with SCN11A-related conditions. In summary, the available evidence is currently insufficient to determine the role of this variant in disease. Therefore, it has been classified as a Variant of Uncertain Significance. Advanced modeling of protein sequence and biophysical properties (such as structural, functional, and spatial information, amino acid conservation, physicochemical variation, residue mobility, and thermodynamic stability) performed at Invitae indicates that this missense variant is not expected to disrupt SCN11A protein function. This variant is not present in population databases (gnomAD no frequency). This sequence change replaces methionine, which is neutral and non-polar, with isoleucine, which is neutral and non-polar, at codon 1260 of the SCN11A protein (p.Met1260Ile).